The following is an entry in ClinVar:

ClinVar aggregate classification (germline): Uncertain significance (1 of 4 stars; one submission).

Conditions:
RASopathy. Also called: rasopathies; Noonan spectrum disorder. Identifiers: Orphanet 536391, MedGen C5555857, MONDO:0021060.

Submission:

Labcorp Genetics (formerly Invitae), Labcorp
Classification: Uncertain significance for RASopathy. Last evaluated: 2022-03-25. Review status: criteria provided, single submitter. Criteria: Invitae Variant Classification Sherloc (09022015). Collection method: clinical testing. Allele origin: germline.
Comment: In summary, the available evidence is currently insufficient to determine the role of this variant in disease. Therefore, it has been classified as a Variant of Uncertain Significance. Advanced modeling of protein sequence and biophysical properties (such as structural, functional, and spatial information, amino acid conservation, physicochemical variation, residue mobility, and thermodynamic stability) performed at Invitae indicates that this missense variant is not expected to disrupt CBL protein function. This variant has not been reported in the literature in individuals affected with CBL-related conditions. This variant is not present in population databases (gnomAD no frequency). This sequence change replaces threonine, which is neutral and polar, with proline, which is neutral and non-polar, at codon 852 of the CBL protein (p.Thr852Pro).

NM_005188.4(CBL):c.2554A>C (p.Thr852Pro)

Gene: CBL (Cbl proto-oncogene; plus strand). Cytogenetic location: 11q23.3.
Variant type: single nucleotide variant.
Coding change: c.2554A>C on transcript NM_005188.4 (MANE Select); coding-DNA position 2554, A replaced by C.
Protein change: p.Thr852Pro; replaces threonine 852 with proline.
Molecular consequence: missense variant.
Genome position (GRCh38, 1-based): chr11:119,299,614, A>C. VCF-style: chr11-119299614-A-C. GRCh37 (hg19) VCF-style: chr11-119170324-A-C.
Other names: short protein forms T852P.
Identifiers: ClinVar variation 2145664 (VCV002145664.4), dbSNP rs1591271188, ClinGen allele CA382932604.
Genomic context (GRCh38, chr11:119,299,614, plus strand): 5'-AACTCTGAACGGAAAGCTGGCAGCTGTCAGCAAGGTAGTGGTCCTGCCGCCTCTGCTGCC[A>C]CCGCCTCACCTCAGCTCTCCAGTGAGATCGAGAACCTCATGAGTCAGGGGTACTCCTACC-3'
Protein context (NP_005179.2, residues 842-862): QGSGPAASAA[Thr852Pro]ASPQLSSEIE